The following is an entry in ClinVar:

ClinVar aggregate classification (germline): Uncertain significance. Review status: criteria provided, multiple submitters, no conflicts (2 of 4 stars). 2 submissions from 2 submitters: Uncertain significance (2). Last evaluated 2025-02-26.

Conditions:
Juvenile polyposis syndrome (JPS). Identifiers: Orphanet 2929, MedGen C0345893, MONDO:0017380, OMIM 174900.
Hereditary cancer-predisposing syndrome. Also called: Hereditary Cancer Syndrome; Hereditary neoplastic syndrome; Neoplastic Syndromes, Hereditary; Tumor predisposition. Identifiers: Orphanet 140162, MedGen C0027672, MeSH D009386, MONDO:0015356.

Submissions (2):

Ambry Genetics
Classification: Uncertain significance for Hereditary cancer-predisposing syndrome. Last evaluated: 2025-02-26. Review status: criteria provided, single submitter. Criteria: Ambry Variant Classification Scheme 2023. Collection method: clinical testing. Allele origin: germline.
Comment: The p.V402L variant (also known as c.1204G>T), located in coding exon 9 of the BMPR1A gene, results from a G to T substitution at nucleotide position 1204. The valine at codon 402 is replaced by leucine, an amino acid with highly similar properties. This amino acid position is highly conserved in available vertebrate species. In addition, the in silico prediction for this alteration is inconclusive. Based on the available evidence, the clinical significance of this variant remains unclear.

All of Us Research Program, National Institutes of Health
Classification: Uncertain significance for Juvenile polyposis syndrome. Last evaluated: 2024-03-05. Review status: criteria provided, single submitter. Criteria: ACMG Guidelines, 2015. Collection method: clinical testing. Allele origin: germline. Inheritance: Autosomal dominant inheritance. Observed: 1 variant allele, 1 heterozygote.
Comment: This study involves interpretation of variants in research participants for the purpose of population health screening. Participant phenotype was not available at the time of variant classification. Additional details can be found in publication PMID: 35346344, PMCID: PMC8962531

NM_004329.3(BMPR1A):c.1204G>T (p.Val402Leu)

Gene: BMPR1A (bone morphogenetic protein receptor type 1A; plus strand). Cytogenetic location: 10q23.2.
Variant type: single nucleotide variant.
Coding change: c.1204G>T on transcript NM_004329.3 (MANE Select); coding-DNA position 1204, G replaced by T.
Protein change: p.Val402Leu; replaces valine 402 with leucine.
Molecular consequence: missense variant. On other transcripts: non-coding transcript variant (3).
Genome position (GRCh38, 1-based): chr10:86,921,557, G>T. VCF-style: chr10-86921557-G-T. GRCh37 (hg19) VCF-style: chr10-88681314-G-T.
Other names: c.1204G>T, p.Val402Leu (NM_001406572.1, NM_001406573.1, NM_001406574.1 and 19 more transcripts); c.1279G>T, p.Val427Leu (NM_001406559.1); c.1252G>T, p.Val418Leu (NM_001406560.1); c.1198G>T, p.Val400Leu (NM_001406583.1); c.1120G>T, p.Val374Leu (NM_001406584.1, NM_001406585.1, NM_001406586.1 and 2 more transcripts); c.862G>T, p.Val288Leu (NM_001406589.1); short protein forms V288L, V374L, V400L, V402L, V418L, V427L.
Identifiers: ClinVar variation 3386031 (VCV003386031.2).